The following is an entry in ClinVar:

NM_000548.5(TSC2):c.648+4A>G

Gene: TSC2 (TSC complex subunit 2; plus strand). Cytogenetic location: 16p13.3.
Variant type: single nucleotide variant.
Coding change: c.648+4A>G on transcript NM_000548.5 (MANE Select); 4 bases into the intron after coding-DNA position 648, A replaced by G.
Molecular consequence: intron variant.
Genome position (GRCh38, 1-based): chr16:2,056,248, A>G. VCF-style: chr16-2056248-A-G. GRCh37 (hg19) VCF-style: chr16-2106249-A-G.
Other names: c.648+4A>G (NM_001114382.3, NM_021055.3, NM_001370405.1 and 3 more transcripts); c.537+4A>G (NM_001318827.2); c.48+4A>G (NM_001318831.2); c.501+4A>G (NM_001318829.2); c.681+4A>G (NM_001318832.2).
Identifiers: ClinVar variation 1449711 (VCV001449711.4), dbSNP rs2151071557, ClinGen allele CA2573151811.
Genomic context (GRCh38, chr16:2,056,248, plus strand): 5'-CCCTGCAGGATGATCTGTCTGCTGTGCGTCCGGACCGCGTCCTCTGTGGACATAGAGGTC[A>G]GTGCCTCCCCTCCCCAGGGCCGGCCCATTTCACCCTGGTTTCTGGGAGGCTGGGGCTTGG-3'

ClinVar aggregate classification (germline): Uncertain significance (1 of 4 stars; one submission).

Conditions:
Tuberous sclerosis 2 (TSC2). Identifiers: Orphanet 805, MedGen C1860707, MONDO:0013199, OMIM 613254.

gnomAD v4.1: 2 of 1,614,022 alleles (0.00012%); highest among the groups gnomAD compares: Non-Finnish European, 0.00017%; no homozygotes.

Submission:

Labcorp Genetics (formerly Invitae), Labcorp
Classification: Uncertain significance for Tuberous sclerosis 2. Last evaluated: 2023-07-10. Review status: criteria provided, single submitter. Criteria: Invitae Variant Classification Sherloc (09022015). Collection method: clinical testing. Allele origin: germline.
Comment: This sequence change falls in intron 7 of the TSC2 gene. It does not directly change the encoded amino acid sequence of the TSC2 protein. It affects a nucleotide within the consensus splice site. This variant is not present in population databases (gnomAD no frequency). This variant has not been reported in the literature in individuals affected with TSC2-related conditions. ClinVar contains an entry for this variant (Variation ID: 1449711). Variants that disrupt the consensus splice site are a relatively common cause of aberrant splicing (PMID: 17576681, 9536098). Algorithms developed to predict the effect of sequence changes on RNA splicing suggest that this variant is not likely to affect RNA splicing. In summary, the available evidence is currently insufficient to determine the role of this variant in disease. Therefore, it has been classified as a Variant of Uncertain Significance.

Literature cited by the submitters: PubMed 17576681; PubMed 9536098.